The following is an entry in ClinVar:

NM_001098.3(ACO2):c.1261G>A (p.Glu421Lys)

Gene: ACO2 (aconitase 2; plus strand). Cytogenetic location: 22q13.2.
Variant type: single nucleotide variant.
Coding change: c.1261G>A on transcript NM_001098.3 (MANE Select); coding-DNA position 1261, G replaced by A.
Protein change: p.Glu421Lys; replaces glutamic acid 421 with lysine.
Molecular consequence: missense variant.
Genome position (GRCh38, 1-based): chr22:41,522,952, G>A. VCF-style: chr22-41522952-G-A. GRCh37 (hg19) VCF-style: chr22-41918956-G-A.
Other names: short protein forms E421K.
Identifiers: ClinVar variation 1501758 (VCV001501758.29), dbSNP rs1487444493, ClinGen allele CA411725089.

ClinVar aggregate classification (germline): Uncertain significance. Review status: criteria provided, multiple submitters, no conflicts (2 of 4 stars). 2 submissions from 2 submitters: Uncertain significance (2). Last evaluated 2023-08-01.

Allele frequency attached by ClinVar (database versions not stated): TOPMed below 0.00001; gnomAD exomes 0.00001.

Submissions (2):

CeGaT Center for Human Genetics Tuebingen
Classification: Uncertain significance. Last evaluated: 2023-08-01. Review status: criteria provided, single submitter. Criteria: CeGaT Center For Human Genetics Tuebingen Variant Classification Criteria Version 2. Collection method: clinical testing. Allele origin: germline. Affected: yes. Observed: 1 variant allele.
Comment: ACO2: PM2

Labcorp Genetics (formerly Invitae), Labcorp
Classification: Uncertain significance. Last evaluated: 2021-09-09. Review status: criteria provided, single submitter. Criteria: Invitae Variant Classification Sherloc (09022015). Collection method: clinical testing. Allele origin: germline.
Comment: This sequence change replaces glutamic acid with lysine at codon 421 of the ACO2 protein (p.Glu421Lys). The glutamic acid residue is highly conserved and there is a small physicochemical difference between glutamic acid and lysine. This variant is not present in population databases (ExAC no frequency). This variant has not been reported in the literature in individuals affected with ACO2-related conditions. Advanced modeling of protein sequence and biophysical properties (such as structural, functional, and spatial information, amino acid conservation, physicochemical variation, residue mobility, and thermodynamic stability) performed at Invitae indicates that this missense variant is expected to disrupt ACO2 protein function. In summary, the available evidence is currently insufficient to determine the role of this variant in disease. Therefore, it has been classified as a Variant of Uncertain Significance.